The following is an entry in ClinVar:

ClinVar aggregate classification (germline): Uncertain significance (1 of 4 stars; one submission).

Allele frequency attached by ClinVar (database versions not stated): gnomAD exomes below 0.00001; ExAC 0.00001.
gnomAD v4.1: 1 of 1,614,172 alleles (0.000062%); highest among the groups gnomAD compares: South Asian, 0.0011%; no homozygotes.

Submission:

Labcorp Genetics (formerly Invitae), Labcorp
Classification: Uncertain significance. Last evaluated: 2024-09-24. Review status: criteria provided, single submitter. Criteria: Invitae Variant Classification Sherloc (09022015). Collection method: clinical testing. Allele origin: germline.
Comment: This sequence change replaces aspartic acid, which is acidic and polar, with glutamic acid, which is acidic and polar, at codon 862 of the POLR1A protein (p.Asp862Glu). This variant is present in population databases (rs768953092, gnomAD 0.003%). This variant has not been reported in the literature in individuals affected with POLR1A-related conditions. Invitae Evidence Modeling of protein sequence and biophysical properties (such as structural, functional, and spatial information, amino acid conservation, physicochemical variation, residue mobility, and thermodynamic stability) indicates that this missense variant is expected to disrupt POLR1A protein function with a positive predictive value of 80%. In summary, the available evidence is currently insufficient to determine the role of this variant in disease. Therefore, it has been classified as a Variant of Uncertain Significance.

NM_015425.6(POLR1A):c.2586T>G (p.Asp862Glu)

Gene: POLR1A (RNA polymerase I subunit A; minus strand). Cytogenetic location: 2p11.2.
Variant type: single nucleotide variant.
Coding change: c.2586T>G on transcript NM_015425.6 (MANE Select); coding-DNA position 2586, T replaced by G.
Protein change: p.Asp862Glu; replaces aspartic acid 862 with glutamic acid.
Molecular consequence: missense variant.
Genome position (GRCh38, 1-based): chr2:86,048,932, A>C on the plus strand (T>G on the coding strand, the complement: POLR1A is on the minus strand). VCF-style: chr2-86048932-A-C. GRCh37 (hg19) VCF-style: chr2-86276055-A-C.
Other names: short protein forms D862E.
Identifiers: ClinVar variation 2981709 (VCV002981709.3), dbSNP rs768953092, ClinGen allele CA1746005.